The following is an entry in ClinVar:

NM_177438.3(DICER1):c.1713T>A (p.Ser571Arg)

Gene: DICER1 (dicer 1, ribonuclease III; minus strand). Cytogenetic location: 14q32.13.
Variant type: single nucleotide variant.
Coding change: c.1713T>A on transcript NM_177438.3 (MANE Select); coding-DNA position 1713, T replaced by A.
Protein change: p.Ser571Arg; replaces serine 571 with arginine.
Molecular consequence: missense variant. On other transcripts: non-coding transcript variant (6).
Genome position (GRCh38, 1-based): chr14:95,116,492, A>T on the plus strand (T>A on the coding strand, the complement: DICER1 is on the minus strand). VCF-style: chr14-95116492-A-T. GRCh37 (hg19) VCF-style: chr14-95582829-A-T.
Other names: c.1713T>A, p.Ser571Arg (NM_001195573.1, NM_001271282.3, NM_001291628.2 and 12 more transcripts); c.1431T>A, p.Ser477Arg (NM_001395686.1); c.1308T>A, p.Ser436Arg (NM_001395687.1, NM_001395688.1, NM_001395689.1 and 3 more transcripts); c.1146T>A, p.Ser382Arg (NM_001395691.1); c.30T>A, p.Ser10Arg (NM_001395697.1); short protein forms S10R, S382R, S436R, S477R, S571R.
Identifiers: ClinVar variation 3625297 (VCV003625297.2).
Genomic context (GRCh38, chr14:95,116,492, plus strand): 5'-ATGTTAATATGTTGATCTTACCTTTTCAATAGCTTTGTAGGTTTTAAGGTCTTCTTCAAA[A>T]CTTTTTATTTTGTCTGTATCCGCTAACATTATATAATTAGAGATGGGTGCCCTTGCTCTT-3'
Protein context (NP_803187.1, residues 561-581): IMLADTDKIK[Ser571Arg]FEEDLKTYKA

ClinVar aggregate classification (germline): Uncertain significance (1 of 4 stars; one submission).

Conditions:
DICER1-related tumor predisposition. Also called: DICER1 syndrome; DICER1-related pleuropulmonary blastoma cancer predisposition syndrome. Identifiers: Orphanet 284343, MedGen C3839822, MONDO:0100216.

Submission:

Labcorp Genetics (formerly Invitae), Labcorp
Classification: Uncertain significance for DICER1-related tumor predisposition. Last evaluated: 2024-08-11. Review status: criteria provided, single submitter. Criteria: Invitae Variant Classification Sherloc (09022015). Collection method: clinical testing. Allele origin: germline.
Comment: This sequence change replaces serine, which is neutral and polar, with arginine, which is basic and polar, at codon 571 of the DICER1 protein (p.Ser571Arg). This variant is not present in population databases (gnomAD no frequency). This variant has not been reported in the literature in individuals affected with DICER1-related conditions. Advanced modeling of protein sequence and biophysical properties (such as structural, functional, and spatial information, amino acid conservation, physicochemical variation, residue mobility, and thermodynamic stability) performed at Invitae indicates that this missense variant is not expected to disrupt DICER1 protein function with a negative predictive value of 80%. In summary, the available evidence is currently insufficient to determine the role of this variant in disease. Therefore, it has been classified as a Variant of Uncertain Significance.